The following is an entry in ClinVar:

ClinVar aggregate classification (germline): Uncertain significance (1 of 4 stars; one submission).

Conditions:
Bone fragility with contractures, arterial rupture, and deafness. Also called: BCARD SYNDROME; BONE ABNORMALITIES, CATARACT, ARTERIAL RUPTURE, AND DEAFNESS; LH3 DEFICIENCY; LYSYL HYDROXYLASE 3 DEFICIENCY. Identifiers: Orphanet 300284, MedGen C2676285, MONDO:0012892, OMIM 612394.

Submission:

Victorian Clinical Genetics Services, Murdoch Childrens Research Institute
Classification: Uncertain significance for Bone fragility with contractures, arterial rupture, and deafness. Last evaluated: 2021-05-06. Review status: criteria provided, single submitter. Criteria: ACMG Guidelines, 2015. Collection method: clinical testing. Allele origin: germline. Inheritance: Autosomal recessive inheritance.
Comment: Based on the classification scheme VCGS_Germline_v1.3.4, this variant is classified as VUS-3B. Following criteria are met: 0102 - Loss of function is a known mechanism of disease in this gene and is associated with Lysyl hydroxylase 3 deficiency (MIM#612394). (I) 0106 - This gene is associated with autosomal recessive disease. (I) 0200 - Variant is predicted to result in a missense amino acid change from arginine to glycine. (I) 0251 - This variant is heterozygous. (I) 0304 - Variant is present in gnomAD (v2) <0.01 for a recessive condition (13 heterozygotes, 0 homozygotes). (SP) 0309 - An alternative amino acid change at the same position has been observed in gnomAD (v3) (208 heterozygotes, 0 homozygotes). (I) 0502 - Missense variant with benign in silico predictions and high conservation with major GS. (I) 0604 - Variant is not located in an established domain, motif, hotspot or informative constraint region. (I) 0705 - No comparable missense variants have previous evidence for pathogenicity. (I) 0807 - This variant has no previous evidence of pathogenicity. (I) 0905 - No published segregation evidence has been identified for this variant. (I) 1007 - No published functional evidence has been identified for this variant. (I) 1208 - Inheritance information for this variant is not currently available in this individual. (I) Legend: (SP) - Supporting pathogenic, (I) - Information, (SB) - Supporting benign

NM_001084.5(PLOD3):c.889C>G (p.Arg297Gly)

Gene: PLOD3 (procollagen-lysine,2-oxoglutarate 5-dioxygenase 3; minus strand). Cytogenetic location: 7q22.1.
Variant type: single nucleotide variant.
Coding change: c.889C>G on transcript NM_001084.5 (MANE Select); coding-DNA position 889, C replaced by G.
Protein change: p.Arg297Gly; replaces arginine 297 with glycine.
Molecular consequence: missense variant.
Genome position (GRCh38, 1-based): chr7:101,212,646, G>C on the plus strand (C>G on the coding strand, the complement: PLOD3 is on the minus strand). VCF-style: chr7-101212646-G-C. GRCh37 (hg19) VCF-style: chr7-100855927-G-C.
Other names: short protein forms R297G.
Identifiers: ClinVar variation 1804992 (VCV001804992.1), dbSNP rs776439156, ClinGen allele CA4407946.